The following is an entry in ClinVar:

NM_000455.5(STK11):c.142A>G (p.Lys48Glu)

Gene: STK11 (serine/threonine kinase 11; plus strand). Cytogenetic location: 19p13.3.
Variant type: single nucleotide variant.
Coding change: c.142A>G on transcript NM_000455.5 (MANE Select); coding-DNA position 142, A replaced by G.
Protein change: p.Lys48Glu; replaces lysine 48 with glutamic acid.
Molecular consequence: missense variant. On other transcripts: non-coding transcript variant (1).
Genome position (GRCh38, 1-based): chr19:1,207,055, A>G. VCF-style: chr19-1207055-A-G. GRCh37 (hg19) VCF-style: chr19-1207054-A-G.
Other names: c.142A>G, p.Lys48Glu (NM_001407255.1); short protein forms K48E.
Identifiers: ClinVar variation 2561029 (VCV002561029.3), dbSNP rs2145405122, ClinGen allele CA402944041.

ClinVar aggregate classification (germline): Uncertain significance (1 of 4 stars; one submission).

Conditions:
Hereditary cancer-predisposing syndrome. Also called: Neoplastic Syndromes, Hereditary; Hereditary Cancer Syndrome; Hereditary neoplastic syndrome; Tumor predisposition. Identifiers: Orphanet 140162, MedGen C0027672, MeSH D009386, MONDO:0015356.

Submission:

Ambry Genetics
Classification: Uncertain significance for Hereditary cancer-predisposing syndrome. Last evaluated: 2025-10-23. Review status: criteria provided, single submitter. Criteria: Ambry Variant Classification Scheme 2023. Collection method: clinical testing. Allele origin: germline.
Comment: The p.K48E variant (also known as c.142A>G), located in coding exon 1 of the STK11 gene, results from an A to G substitution at nucleotide position 142. The lysine at codon 48 is replaced by glutamic acid, an amino acid with similar properties. This amino acid position is conserved. In addition, the in silico prediction for this alteration is inconclusive. Since supporting evidence is limited at this time, the clinical significance of this alteration remains unclear.